The following is an entry in ClinVar:

ClinVar aggregate classification (germline): Uncertain significance (1 of 4 stars; one submission).

Conditions:
Inborn genetic diseases. Identifiers: MedGen C0950123, MeSH D030342.

Submission:

Ambry Genetics
Classification: Uncertain significance for Inborn genetic diseases. Last evaluated: 2026-01-05. Review status: criteria provided, single submitter. Criteria: Ambry Variant Classification Scheme 2023. Collection method: clinical testing. Allele origin: germline.
Comment: The c.111_113delAGA variant (also known as p.E37del) is located in coding exon 2 of the MBD4 gene. This variant results from an in-frame AGA deletion at nucleotide positions 111 to 113. This results in the in-frame deletion of a glutamic acid at codon 37. This amino acid position is highly conserved in available vertebrate species. In addition, the in silico prediction for this variant is inconclusive (Choi Y et al. PLoS ONE. 2012; 7(10):e46688). Based on the available evidence, the clinical significance of this variant remains unclear.

NM_001276270.2(MBD4):c.108AGA[1] (p.Glu37del)

Gene: MBD4 (methyl-CpG binding domain 4, DNA glycosylase; minus strand). Cytogenetic location: 3q21.3.
Variant type: Microsatellite.
Coding change: c.108AGA[1] on transcript NM_001276270.2 (MANE Select); one copy of the 3-base unit AGA starting at c.108; the reference has two copies in a row; one copy, 3 bases deleted.
Protein change: p.Glu37del; deletes glutamic acid 37.
Genome position (GRCh38, 1-based): chr3:129,437,942-129,437,944, TCT deleted on the plus strand (AGA on the coding strand, the reverse complement: MBD4 is on the minus strand); deleting any 3 consecutive bases within chr3:129,437,942-129,437,948 gives the same sequence; the position shown is the placement nearest the transcript's 3' end. VCF-style (leftmost placement, unchanged base first): chr3-129437941-ATCT-A. GRCh37 (hg19) VCF-style: chr3-129156784-ATCT-A.
Other names: c.111_113delAGA (NM_001276270.2); c.108AGA[1], p.Glu37del (NM_001276271.2, NM_001276272.2, NM_001276273.2 and 1 more transcripts); short protein forms E37del.
Identifiers: ClinVar variation 4844101 (VCV004844101.1).
Genomic context (GRCh38, chr3:129,437,941, plus strand): 5'-GCTTCTTTTTATCATCATTTGTTCCTCATCTTCTCCCACTCTTTCCAATTCCATAGCAAC[ATCT>A]TCTTTGCTGGAAAAACAAAGTCTAAGTGATTAACTTATTTAAAATTTATCTTCCACTGCC-3'